The following is an entry in ClinVar:

ClinVar aggregate classification (germline): Likely pathogenic. Review status: criteria provided, multiple submitters, no conflicts (2 of 4 stars). 2 submissions from 2 submitters: Likely pathogenic (2). Last evaluated 2025-10-10.

Conditions:
Usher syndrome type 2A. Also called: RETINAL DISEASE IN USHER SYNDROME TYPE IIA, MODIFIER OF; USHER SYNDROME, TYPE IIA. Identifiers: Orphanet 231178, Orphanet 886, MedGen C1848634, MONDO:0010169, OMIM 276901.
Retinal dystrophy. Also called: Inherited retinal dystrophy. Identifiers: Orphanet 71862, MedGen C0854723, MeSH D058499, MONDO:0019118, HP:0000556.

gnomAD v4.1: 3 of 1,614,148 alleles (0.00019%); highest among the groups gnomAD compares: South Asian, 0.0011%; no homozygotes.

Submissions (2):

Natera, Inc.
Classification: Likely pathogenic for Usher syndrome type 2A. Last evaluated: 2025-10-10. Review status: criteria provided, single submitter. Criteria: Natera Variant Classification Schema (03/2026). Collection method: clinical testing. Allele origin: germline.
Comment: The c.13156A>T variant in USH2A is a missense variant predicted to cause substitution of isoleucine to phenylalanine at amino acid 4386. This variant is rare in the general population with a frequency below the threshold expected for the associated phenotype(s). This variant has been observed in one or more individuals affected with the associated recessive disease, as either homozygous or compound heterozygous with a second variant (PMID: 39462066, 36034145, 32675063, 26377068). Computational prediction algorithms indicate this variant is likely to affect gene or protein function. Given the available evidence, this variant is classified as Likely Pathogenic.

Institute of Human Genetics, Univ. Regensburg, Univ. Regensburg
Classification: Likely pathogenic for Retinal dystrophy. Last evaluated: 2022-01-01. Review status: criteria provided, single submitter. Criteria: ACMG Guidelines, 2015. Collection method: clinical testing. Allele origin: germline. Affected: yes.

Literature cited by the submitters: PubMed 39462066 (cited by Natera, Inc.); PubMed 36034145 (cited by Natera, Inc.); PubMed 32675063 (cited by Natera, Inc. and Institute of Human Genetics, Univ. Regensburg, Univ. Regensburg); PubMed 26377068 (cited by Natera, Inc. and Institute of Human Genetics, Univ. Regensburg, Univ. Regensburg); PubMed 34426522 (cited by Institute of Human Genetics, Univ. Regensburg, Univ. Regensburg).

NM_206933.4(USH2A):c.13156A>T (p.Ile4386Phe)

Gene: USH2A (usherin; minus strand). Cytogenetic location: 1q41.
Variant type: single nucleotide variant.
Coding change: c.13156A>T on transcript NM_206933.4 (MANE Select); coding-DNA position 13156, A replaced by T.
Protein change: p.Ile4386Phe; replaces isoleucine 4386 with phenylalanine.
Molecular consequence: missense variant.
Genome position (GRCh38, 1-based): chr1:215,674,755, T>A on the plus strand (A>T on the coding strand, the complement: USH2A is on the minus strand). VCF-style: chr1-215674755-T-A. GRCh37 (hg19) VCF-style: chr1-215848097-T-A.
Other names: c.13156A>T (NM_206933.2); short protein forms I4386F.
Identifiers: ClinVar variation 3249185 (VCV003249185.2).